The following is an entry in ClinVar:

NM_000466.3(PEX1):c.2044G>A (p.Ala682Thr)

Gene: PEX1 (peroxisomal biogenesis factor 1; minus strand). Cytogenetic location: 7q21.2.
Variant type: single nucleotide variant.
Coding change: c.2044G>A on transcript NM_000466.3 (MANE Select); coding-DNA position 2044, G replaced by A.
Protein change: p.Ala682Thr; replaces alanine 682 with threonine.
Molecular consequence: missense variant. On other transcripts: intron variant (1).
Genome position (GRCh38, 1-based): chr7:92,504,759, C>T on the plus strand (G>A on the coding strand, the complement: PEX1 is on the minus strand). VCF-style: chr7-92504759-C-T. GRCh37 (hg19) VCF-style: chr7-92134073-C-T.
Other names: c.1420G>A, p.Ala474Thr (NM_001282678.2); c.1900+1489G>A (NM_001282677.2); short protein forms A682T, A474T.
Identifiers: ClinVar variation 1395714 (VCV001395714.6), dbSNP rs2116165019, ClinGen allele CA368182993.
Genomic context (GRCh38, chr7:92,504,759, plus strand): 5'-ACAAGACCTTAAGCCAGTGGTGGATGCATTTACCATGAGCAAGCCGCTGGCTCTGCACCG[C>T]ATCAGGACTGTGCTCATGTTCCGGGACAGCAGGCAGTCCAGCAATGAGGTCAAGGTCATC-3'
Protein context (NP_000457.1, residues 672-692): AVPEHEHSPD[Ala682Thr]VQSQRLAHAL

ClinVar aggregate classification (germline): Uncertain significance (1 of 4 stars; one submission).

Conditions:
Zellweger spectrum disorders (ZS). Also called: Zellweger Spectrum Disorder (ZSD); Zellweger syndrome; Zellweger Spectrum Disorder; Zellweger Spectrum. Identifiers: Orphanet 912, MedGen C0043459, MONDO:0019609.

Submission:

Labcorp Genetics (formerly Invitae), Labcorp
Classification: Uncertain significance for Zellweger spectrum disorders. Last evaluated: 2021-11-29. Review status: criteria provided, single submitter. Criteria: Invitae Variant Classification Sherloc (09022015). Collection method: clinical testing. Allele origin: germline.
Comment: This variant has not been reported in the literature in individuals affected with PEX1-related conditions. In summary, the available evidence is currently insufficient to determine the role of this variant in disease. Therefore, it has been classified as a Variant of Uncertain Significance. Advanced modeling of protein sequence and biophysical properties (such as structural, functional, and spatial information, amino acid conservation, physicochemical variation, residue mobility, and thermodynamic stability) performed at Invitae indicates that this missense variant is not expected to disrupt PEX1 protein function. This variant is not present in population databases (gnomAD no frequency). This sequence change replaces alanine, which is neutral and non-polar, with threonine, which is neutral and polar, at codon 682 of the PEX1 protein (p.Ala682Thr).